The following is an entry in ClinVar:

ClinVar aggregate classification (germline): Uncertain significance. Review status: criteria provided, multiple submitters, no conflicts (2 of 4 stars). 2 submissions from 2 submitters: Uncertain significance (2). Last evaluated 2023-07-30.

Conditions:
Hereditary cancer-predisposing syndrome. Also called: Neoplastic Syndromes, Hereditary; Hereditary Cancer Syndrome; Tumor predisposition; Hereditary neoplastic syndrome. Identifiers: Orphanet 140162, MedGen C0027672, MeSH D009386, MONDO:0015356.

Submissions (2):

Ambry Genetics
Classification: Uncertain significance for Hereditary cancer-predisposing syndrome. Last evaluated: 2023-07-30. Review status: criteria provided, single submitter. Criteria: Ambry Variant Classification Scheme 2023. Collection method: clinical testing. Allele origin: germline.
Comment: The p.E289Q variant (also known as c.865G>C), located in coding exon 5 of the PDGFRA gene, results from a G to C substitution at nucleotide position 865. The glutamic acid at codon 289 is replaced by glutamine, an amino acid with highly similar properties. This amino acid position is conserved. In addition, this alteration is predicted to be tolerated by in silico analysis. Since supporting evidence is limited at this time, the clinical significance of this alteration remains unclear.

GeneDx
Classification: Uncertain significance. Last evaluated: 2022-09-29. Review status: criteria provided, single submitter. Criteria: GeneDx Variant Classification Process June 2021. Collection method: clinical testing. Allele origin: germline. Affected: yes.
Comment: Not observed at significant frequency in large population cohorts (gnomAD); In silico analysis supports that this missense variant does not alter protein structure/function; Has not been previously published as pathogenic or benign to our knowledge

NM_006206.6(PDGFRA):c.865G>C (p.Glu289Gln)

Gene: PDGFRA (platelet derived growth factor receptor alpha; plus strand). Cytogenetic location: 4q12.
Variant type: single nucleotide variant.
Coding change: c.865G>C on transcript NM_006206.6 (MANE Select); coding-DNA position 865, G replaced by C.
Protein change: p.Glu289Gln; replaces glutamic acid 289 with glutamine.
Molecular consequence: missense variant.
Genome position (GRCh38, 1-based): chr4:54,267,394, G>C. VCF-style: chr4-54267394-G-C. GRCh37 (hg19) VCF-style: chr4-55133561-G-C.
Other names: c.865G>C, p.Glu289Gln (NM_001347827.2, NM_001347829.2); c.940G>C, p.Glu314Gln (NM_001347828.2); c.904G>C, p.Glu302Gln (NM_001347830.2); short protein forms E289Q, E302Q, E314Q.
Identifiers: ClinVar variation 2446704 (VCV002446704.3), dbSNP rs958381664, ClinGen allele CA356891276.